The following is an entry in ClinVar:

NM_020843.4(SCAPER):c.3780A>G (p.Gln1260=)

Gene: SCAPER (S-phase cyclin A associated protein in the ER; minus strand). Cytogenetic location: 15q24.3.
Variant type: single nucleotide variant.
Coding change: c.3780A>G on transcript NM_020843.4 (MANE Select); coding-DNA position 3780, A replaced by G.
Protein change: p.Gln1260=; no amino-acid change (glutamine 1260 retained).
Molecular consequence: synonymous variant. On other transcripts: non-coding transcript variant (1).
Genome position (GRCh38, 1-based): chr15:76,376,237, T>C on the plus strand (A>G on the coding strand, the complement: SCAPER is on the minus strand). VCF-style: chr15-76376237-T-C. GRCh37 (hg19) VCF-style: chr15-76668578-T-C.
Other names: c.3798A>G (NM_001353009.1); c.3042A>G, p.Gln1014= (NM_001145923.2); c.3798A>G, p.Gln1266= (NM_001353009.2); c.3378A>G, p.Gln1126= (NM_001353010.2, NM_001353012.2); c.3396A>G, p.Gln1132= (NM_001353011.2).
Identifiers: ClinVar variation 722664 (VCV000722664.29), dbSNP rs374019205, ClinGen allele CA7674359.
Genomic context (GRCh38, chr15:76,376,237, plus strand): 5'-GTTGACAGTGAAGTAGCCCACACAGACGATGACCTCATGAAGGAGGCTTTCACAGGAGAC[T>C]TGGCTGCAGTGGCCCAGCAGGGAGCTGGCCATGTGCCGGAATGCAAGGGACAAGCCCTCT-3'
Protein context (NP_065894.2, residues 1250-1270): MASSLLGHCS[Gln1260=]VSCESLLHEV

ClinVar aggregate classification (germline): Benign/Likely benign. Review status: criteria provided, multiple submitters, no conflicts (2 of 4 stars). 4 submissions from 4 submitters: Benign (1); Likely benign (2). 1 of the submissions does not count toward it. Last evaluated 2026-06-01.

Conditions:
SCAPER-related disorder. Also called: SCAPER-related condition.

Allele frequency attached by ClinVar (database versions not stated): gnomAD exomes 0.00022 and 0.00061; ExAC 0.00075; gnomAD 0.00242 and 0.00265; 1000 Genomes Project 0.00260; TOPMed 0.00263; 1000 Genomes Project 30x 0.00265; ESP Exome Variant Server 0.00300.
gnomAD v4.1: 693 of 1,614,020 alleles (0.043%); highest among the groups gnomAD compares: African/African-American, 0.85%; 3 homozygotes.

Submissions (4):

CeGaT Center for Human Genetics Tuebingen
Classification: Likely benign. Last evaluated: 2026-06-01. Review status: criteria provided, single submitter. Criteria: CeGaT Center For Human Genetics Tuebingen Variant Classification Criteria Version 2. Collection method: clinical testing. Allele origin: germline. Affected: yes. Observed: 2 variant alleles.
Comment: SCAPER: BP4, BP7

Blueprint Genetics
Classification: Likely benign. Last evaluated: 2024-10-02. Review status: criteria provided, single submitter. Criteria: ACMG Guidelines, 2015. Collection method: clinical testing. Allele origin: germline.

Labcorp Genetics (formerly Invitae), Labcorp
Classification: Benign. Last evaluated: 2018-05-18. Review status: criteria provided, single submitter. Criteria: Invitae Variant Classification Sherloc (09022015). Collection method: clinical testing. Allele origin: germline.

PreventionGenetics, part of Exact Sciences
Classification: Benign for SCAPER-related condition. Last evaluated: 2019-09-12. Review status: no assertion criteria provided. Collection method: clinical testing. Allele origin: germline. Not counted in ClinVar's aggregate classification.
Comment: This variant is classified as benign based on ACMG/AMP sequence variant interpretation guidelines (Richards et al. 2015 PMID: 25741868, with internal and published modifications).